The following is an entry in ClinVar:

NM_003590.5(CUL3):c.1166C>T (p.Ser389Leu)

Gene: CUL3 (cullin 3; minus strand). Cytogenetic location: 2q36.2.
Variant type: single nucleotide variant.
Coding change: c.1166C>T on transcript NM_003590.5 (MANE Select); coding-DNA position 1166, C replaced by T.
Protein change: p.Ser389Leu; replaces serine 389 with leucine.
Molecular consequence: missense variant.
Genome position (GRCh38, 1-based): chr2:224,505,996, G>A on the plus strand (C>T on the coding strand, the complement: CUL3 is on the minus strand). VCF-style: chr2-224505996-G-A. GRCh37 (hg19) VCF-style: chr2-225370713-G-A.
Other names: c.968C>T, p.Ser323Leu (NM_001257197.2); c.1184C>T, p.Ser395Leu (NM_001257198.2); c.1166C>T (NM_003590.3); short protein forms S323L, S389L, S395L.
Identifiers: ClinVar variation 2582993 (VCV002582993.26), dbSNP rs2106202854, ClinGen allele CA350828498.

ClinVar aggregate classification (germline): Conflicting classifications of pathogenicity. Review status: criteria provided, conflicting classifications (1 of 4 stars). 2 submissions from 2 submitters: Likely pathogenic (1); Uncertain significance (1). Last evaluated 2024-01-04.

Conditions:
Inborn genetic diseases. Identifiers: MedGen C0950123, MeSH D030342.

Submissions (2):

Ambry Genetics
Classification: Uncertain significance for Inborn genetic diseases. Last evaluated: 2024-01-04. Review status: criteria provided, single submitter. Criteria: Ambry Variant Classification Scheme 2023. Collection method: clinical testing. Allele origin: germline.
Comment: The c.1166C>T (p.S389L) alteration is located in exon 8 (coding exon 8) of the CUL3 gene. This alteration results from a C to T substitution at nucleotide position 1166, causing the serine (S) at amino acid position 389 to be replaced by a leucine (L). This variant was not reported in population-based cohorts in the Genome Aggregation Database (gnomAD). This amino acid position is highly conserved in available vertebrate species. This alteration is predicted to be deleterious by in silico analysis. Based on insufficient or conflicting evidence, the clinical significance of this alteration remains unclear.

CeGaT Center for Human Genetics Tuebingen
Classification: Likely pathogenic. Last evaluated: 2023-09-01. Review status: criteria provided, single submitter. Criteria: CeGaT Center For Human Genetics Tuebingen Variant Classification Criteria Version 2. Collection method: clinical testing. Allele origin: germline. Affected: yes. Observed: 1 variant allele.
Comment: CUL3: PS2, PM2, PP2, PP3